The following is an entry in ClinVar:

NM_001258392.3(CLPB):c.341G>A (p.Gly114Asp)

Gene: CLPB (ClpB family mitochondrial disaggregase; minus strand). Cytogenetic location: 11q13.4.
Variant type: single nucleotide variant.
Coding change: c.341G>A on transcript NM_001258392.3 (MANE Select); coding-DNA position 341, G replaced by A.
Protein change: p.Gly114Asp; replaces glycine 114 with aspartic acid.
Molecular consequence: missense variant. On other transcripts: synonymous variant (1).
Genome position (GRCh38, 1-based): chr11:72,434,134, C>T on the plus strand (G>A on the coding strand, the complement: CLPB is on the minus strand). VCF-style: chr11-72434134-C-T. GRCh37 (hg19) VCF-style: chr11-72145178-C-T.
Other names: c.341G>A, p.Gly114Asp (NM_001258393.3, NM_030813.6); c.99G>A, p.Gly33= (NM_001258394.3); short protein forms G114D.
Identifiers: ClinVar variation 2514136 (VCV002514136.5), dbSNP rs138293139, ClinGen allele CA6171625.

ClinVar aggregate classification (germline): Uncertain significance. Review status: criteria provided, multiple submitters, no conflicts (2 of 4 stars). 2 submissions from 2 submitters: Uncertain significance (2). Last evaluated 2025-08-07.

Conditions:
3-methylglutaconic aciduria, type VIIB (MGCA7B). Also called: 3-methylglutaconic aciduria with cataracts, neurologic involvement and neutropenia; CLPB Deficiency; 3-methylglutaconic aciduria, type VII, with cataracts, neurologic involvement and neutropenia. Identifiers: Orphanet 445038, MedGen C5676893, MONDO:0014561, OMIM 616271.
Inborn genetic diseases. Identifiers: MedGen C0950123, MeSH D030342.

Allele frequency attached by ClinVar (database versions not stated): gnomAD exomes 0.00001; ExAC 0.00002.
gnomAD v4.1: 12 of 1,612,288 alleles (0.00074%); highest among the groups gnomAD compares: East Asian, 0.018%; no homozygotes.

Submissions (2):

Ambry Genetics
Classification: Uncertain significance for Inborn genetic diseases. Last evaluated: 2025-08-07. Review status: criteria provided, single submitter. Criteria: Ambry Variant Classification Scheme 2023. Collection method: clinical testing. Allele origin: germline.

Labcorp Genetics (formerly Invitae), Labcorp
Classification: Uncertain significance for 3-methylglutaconic aciduria, type VIIB. Last evaluated: 2025-04-07. Review status: criteria provided, single submitter. Criteria: Invitae Variant Classification Sherloc (09022015). Collection method: clinical testing. Allele origin: germline.
Comment: This sequence change replaces glycine, which is neutral and non-polar, with aspartic acid, which is acidic and polar, at codon 114 of the CLPB protein (p.Gly114Asp). This variant is present in population databases (rs138293139, gnomAD 0.03%). This variant has not been reported in the literature in individuals affected with CLPB-related conditions. ClinVar contains an entry for this variant (Variation ID: 2514136). An algorithm developed to predict the effect of missense changes on protein structure and function (PolyPhen-2) suggests that this variant is likely to be disruptive. In summary, the available evidence is currently insufficient to determine the role of this variant in disease. Therefore, it has been classified as a Variant of Uncertain Significance.